The following is an entry in ClinVar:

NM_002114.4(HIVEP1):c.2529G>A (p.Pro843=)

Gene: HIVEP1 (HIVEP zinc finger 1; plus strand). Cytogenetic location: 6p24.1.
Variant type: single nucleotide variant.
Coding change: c.2529G>A on transcript NM_002114.4 (MANE Select); coding-DNA position 2529, G replaced by A.
Protein change: p.Pro843=; no amino-acid change (proline 843 retained).
Molecular consequence: synonymous variant.
Genome position (GRCh38, 1-based): chr6:12,122,324, G>A. VCF-style: chr6-12122324-G-A. GRCh37 (hg19) VCF-style: chr6-12122557-G-A.
Identifiers: ClinVar variation 789884 (VCV000789884.28), dbSNP rs34520269, ClinGen allele CA3637393.
Genomic context (GRCh38, chr6:12,122,324, plus strand): 5'-GTTTCTTCTGTCTGTACCTTCACTTGACTGTTTACCTATCACAAGAAGTAATTCCATGCC[G>A]ACCACAGGTTATTCAGCAGTACCTGCAAATATAATACCTCCTCCTCATCCACTAAGAGGA-3'
Protein context (NP_002105.3, residues 833-853): CLPITRSNSM[Pro843=]TTGYSAVPAN

ClinVar aggregate classification (germline): Benign/Likely benign. Review status: criteria provided, multiple submitters, no conflicts (2 of 4 stars). 2 submissions from 2 submitters: Benign (1); Likely benign (1). Last evaluated 2025-05-01.

Allele frequency attached by ClinVar (database versions not stated): 1000 Genomes Project 0.00260; 1000 Genomes Project 30x 0.00281; TOPMed 0.00402; gnomAD 0.00467 and 0.00470; gnomAD exomes 0.00504; ExAC 0.00508; ESP Exome Variant Server 0.00555.
gnomAD v4.1: 9,668 of 1,614,112 alleles (0.6%); highest among the groups gnomAD compares: Middle Eastern, 0.76%; 25 homozygotes.

Submissions (2):

CeGaT Center for Human Genetics Tuebingen
Classification: Likely benign. Last evaluated: 2025-05-01. Review status: criteria provided, single submitter. Criteria: CeGaT Center For Human Genetics Tuebingen Variant Classification Criteria Version 2. Collection method: clinical testing. Allele origin: germline. Affected: yes. Observed: 2 variant alleles.
Comment: HIVEP1: BP4, BP7, BS2

Labcorp Genetics (formerly Invitae), Labcorp
Classification: Benign. Last evaluated: 2019-12-31. Review status: criteria provided, single submitter. Criteria: Invitae Variant Classification Sherloc (09022015). Collection method: clinical testing. Allele origin: germline.